The following is an entry in ClinVar:

ClinVar aggregate classification (germline): Uncertain significance (1 of 4 stars; one submission).

Conditions:
Inborn genetic diseases. Identifiers: MedGen C0950123, MeSH D030342.

gnomAD v4.1: 1 of 1,614,172 alleles (0.000062%); highest among the groups gnomAD compares: Non-Finnish European, 0.000085%; no homozygotes.

Submission:

Ambry Genetics
Classification: Uncertain significance for Inborn genetic diseases. Last evaluated: 2024-12-20. Review status: criteria provided, single submitter. Criteria: Ambry Variant Classification Scheme 2023. Collection method: clinical testing. Allele origin: germline.
Comment: The p.R1104I variant (also known as c.3311G>T), located in coding exon 33 of the FANCA gene, results from a G to T substitution at nucleotide position 3311. The arginine at codon 1104 is replaced by isoleucine, an amino acid with similar properties. This amino acid position is conserved. In addition, this alteration is predicted to be tolerated by in silico analysis. Based on the available evidence, the clinical significance of this variant remains unclear.

NM_000135.4(FANCA):c.3311G>T (p.Arg1104Ile)

Gene: FANCA (FA complementation group A; minus strand). Cytogenetic location: 16q24.3.
Variant type: single nucleotide variant.
Coding change: c.3311G>T on transcript NM_000135.4 (MANE Select); coding-DNA position 3311, G replaced by T.
Protein change: p.Arg1104Ile; replaces arginine 1104 with isoleucine.
Molecular consequence: missense variant.
Genome position (GRCh38, 1-based): chr16:89,748,696, C>A on the plus strand (G>T on the coding strand, the complement: FANCA is on the minus strand). VCF-style: chr16-89748696-C-A. GRCh37 (hg19) VCF-style: chr16-89815104-C-A.
Other names: c.3311G>T, p.Arg1104Ile (NM_001286167.3); short protein forms R1104I.
Identifiers: ClinVar variation 3848036 (VCV003848036.1).
Genomic context (GRCh38, chr16:89,748,696, plus strand): 5'-ACACGTGCACACGGGGCACCTACCATCTCAGAGTTGACCAAGTGGAAGAACTGCTCGCAT[C>A]TGGCAGTGATGGGCTGTTCTGCCTGGAAGCTGCTGCCGCAGAGGACAGACGAAGGCAGGC-3'
Protein context (NP_000126.2, residues 1094-1114): SFQAEQPITA[Arg1104Ile]CEQFFHLVNS